The following is an entry in ClinVar:

ClinVar aggregate classification (germline): Uncertain significance (1 of 4 stars; one submission).

Conditions:
Renal hypodysplasia/aplasia 3 (RHDA3). Identifiers: MedGen C4540497, MONDO:0024520, OMIM 617805.

gnomAD v4.1: 2 of 1,550,958 alleles (0.00013%); highest among the groups gnomAD compares: Non-Finnish European, 0.00017%; no homozygotes.

Submission:

Institute of Human Genetics, University of Leipzig Medical Center
Classification: Uncertain significance for Renal hypodysplasia/aplasia 3. Last evaluated: 2023-09-22. Review status: criteria provided, single submitter. Criteria: ACMG Guidelines, 2015. Collection method: clinical testing. Allele origin: paternal. Inheritance: Autosomal dominant inheritance. Affected: yes.
Comment: Criteria applied: PM2_SUP,PP2

NM_001142966.3(GREB1L):c.968G>A (p.Gly323Glu)

Genes: GREB1L (GREB1 like retinoic acid receptor coactivator; plus strand), GREB1L-AS1 (GREB1L antisense RNA 1; minus strand). Cytogenetic location: 18q11.1.
Variant type: single nucleotide variant.
Coding change: c.968G>A on transcript NM_001142966.3 (MANE Select); coding-DNA position 968, G replaced by A.
Protein change: p.Gly323Glu; replaces glycine 323 with glutamic acid.
Molecular consequence: missense variant.
Genome position (GRCh38, 1-based): chr18:21,440,287, G>A. VCF-style: chr18-21440287-G-A. GRCh37 (hg19) VCF-style: chr18-19020248-G-A.
Other names: c.1097G>A, p.Gly366Glu (NM_001410867.1); c.968G>A, p.Gly323Glu (NM_001410868.1); short protein forms G323E, G366E.
Identifiers: ClinVar variation 2627589 (VCV002627589.2), dbSNP rs1287687444, ClinGen allele CA401798932.